The following is an entry in ClinVar:

NM_015330.6(SPECC1L):c.2440G>A (p.Val814Ile)

Genes: SPECC1L (sperm antigen with calponin homology and coiled-coil domains 1 like; plus strand), SPECC1L-ADORA2A (SPECC1L-ADORA2A readthrough (NMD candidate); plus strand). Cytogenetic location: 22q11.23.
Variant type: single nucleotide variant.
Coding change: c.2440G>A on transcript NM_015330.6 (MANE Select); coding-DNA position 2440, G replaced by A.
Protein change: p.Val814Ile; replaces valine 814 with isoleucine.
Molecular consequence: missense variant. On other transcripts: non-coding transcript variant (1).
Genome position (GRCh38, 1-based): chr22:24,334,453, G>A. VCF-style: chr22-24334453-G-A. GRCh37 (hg19) VCF-style: chr22-24730421-G-A.
Other names: c.2440G>A, p.Val814Ile (NM_001145468.4, NM_001254732.3); c.2440G>A (NM_015330.2, NM_015330.4); short protein forms V814I.
Identifiers: ClinVar variation 1049294 (VCV001049294.9), dbSNP rs139167350, ClinGen allele CA10152315.

ClinVar aggregate classification (germline): Benign/Likely benign. Review status: criteria provided, multiple submitters, no conflicts (2 of 4 stars). 4 submissions from 4 submitters: Benign (1); Likely benign (1). 2 of the submissions do not count toward it. Last evaluated 2025-10-26.

Conditions:
SPECC1L-related disorder. Also called: SPECC1L-related condition.
Inborn genetic diseases. Identifiers: MedGen C0950123, MeSH D030342.

Allele frequency attached by ClinVar (database versions not stated): ESP Exome Variant Server 0.00015; gnomAD 0.00019 and 0.00017; ExAC 0.00025; TOPMed 0.00017.

Submissions (4):

Labcorp Genetics (formerly Invitae), Labcorp
Classification: Benign. Last evaluated: 2025-10-26. Review status: criteria provided, single submitter. Criteria: Invitae Variant Classification Sherloc (09022015). Collection method: clinical testing. Allele origin: germline.

Ambry Genetics
Classification: Likely benign for Inborn genetic diseases. Last evaluated: 2022-11-08. Review status: criteria provided, single submitter. Criteria: Ambry Variant Classification Scheme 2023. Collection method: clinical testing. Allele origin: germline.

PreventionGenetics, part of Exact Sciences
Classification: Likely benign for SPECC1L-related condition. Last evaluated: 2021-04-07. Review status: no assertion criteria provided. Collection method: clinical testing. Allele origin: germline. Not counted in ClinVar's aggregate classification.
Comment: This variant is classified as likely benign based on ACMG/AMP sequence variant interpretation guidelines (Richards et al. 2015 PMID: 25741868, with internal and published modifications).

Department of Pathology and Laboratory Medicine, Sinai Health System
Classification: Uncertain significance. Review status: no assertion criteria provided. Collection method: clinical testing. Allele origin: unknown. Affected: yes. Study: The Canadian Open Genetics Repository (COGR). Not counted in ClinVar's aggregate classification.
Comment: The SPECC1L p.Val814Ile variant was not identified in the literature nor was it identified in ClinVar, Cosmic or LOVD 3.0. The variant was identified in dbSNP (ID: rs139167350) and in control databases in 74 of 282866 chromosomes at a frequency of 0.000262 (Genome Aggregation Database Feb 27, 2017). The variant was observed in the following populations: Ashkenazi Jewish in 48 of 10368 chromosomes (freq: 0.00463), Other in 2 of 7228 chromosomes (freq: 0.000277), Latino in 5 of 35440 chromosomes (freq: 0.000141), European (non-Finnish) in 15 of 129170 chromosomes (freq: 0.000116), South Asian in 3 of 30616 chromosomes (freq: 0.000098) and African in 1 of 24970 chromosomes (freq: 0.00004); it was not observed in the East Asian and European (Finnish) populations. The variant occurs outside of the splicing consensus sequence and in silico or computational prediction software programs (SpliceSiteFinder, MaxEntScan, NNSPLICE, GeneSplicer) do not predict a difference in splicing. The p.Val814 residue is conserved across mammals and other organisms, and three out of five computational analyses (PolyPhen-2, SIFT, MutationTaster) suggest that the variant may impact the protein; however, this information is not predictive enough to assume pathogenicity. In summary, based on the above information the clinical significance of this variant cannot be determined with certainty at this time. This variant is classified as a variant of uncertain significance.